The following is an entry in ClinVar:

ClinVar aggregate classification (germline): Pathogenic. Review status: criteria provided, multiple submitters, no conflicts (2 of 4 stars). 2 submissions from 2 submitters: Pathogenic (2). Last evaluated 2024-02-01.

Conditions:
Xeroderma pigmentosum group A (XPA). Also called: Xeroderma pigmentosum, complementation group A; XP, group A; XPA-Related Xeroderma Pigmentosum. Identifiers: Orphanet 910, MedGen C0268135, MONDO:0010210, OMIM 278700.

Submissions (2):

Labcorp Genetics (formerly Invitae), Labcorp
Classification: Pathogenic. Last evaluated: 2024-02-01. Review status: criteria provided, single submitter. Criteria: Invitae Variant Classification Sherloc (09022015). Collection method: clinical testing. Allele origin: germline.
Comment: This sequence change creates a premature translational stop signal (p.Tyr181Leufs*11) in the XPA gene. It is expected to result in an absent or disrupted protein product. Loss-of-function variants in XPA are known to be pathogenic (PMID: 27607234). This variant is not present in population databases (gnomAD no frequency). This premature translational stop signal has been observed in individual(s) with xeroderma pigmentosum (PMID: 27607234). This variant is also known as c.538-539del. For these reasons, this variant has been classified as Pathogenic.

Baylor Genetics
Classification: Pathogenic for Xeroderma pigmentosum group A. Last evaluated: 2023-08-08. Review status: criteria provided, single submitter. Criteria: ACMG Guidelines, 2015. Collection method: clinical testing. Allele origin: unknown.

Literature cited by the submitters: PubMed 27607234 (cited by Labcorp Genetics (formerly Invitae), Labcorp).

NM_000380.4(XPA):c.540_541del (p.Tyr181fs)

Gene: XPA (XPA, DNA damage recognition and repair factor; minus strand). Cytogenetic location: 9q22.33.
Variant type: Microsatellite.
Coding change: c.540_541del on transcript NM_000380.4 (MANE Select); coding-DNA positions 540 to 541, 2 bases deleted (CT; older notation c.540_541delCT).
Protein change: p.Tyr181fs; shifts the reading frame from tyrosine 181.
Molecular consequence: frameshift variant. On other transcripts: non-coding transcript variant (4).
Genome position (GRCh38, 1-based): chr9:97,687,110-97,687,111, AG deleted on the plus strand (CT on the coding strand, the reverse complement: XPA is on the minus strand); deleting any 2 consecutive bases within chr9:97,687,110-97,687,113 gives the same sequence; the c. name uses the placement nearest the transcript's 3' end. VCF-style (leftmost placement, unchanged base first): chr9-97687109-TAG-T. GRCh37 (hg19) VCF-style: chr9-100449391-TAG-T.
Other names: c.414_415del, p.Tyr139fs (NM_001354975.2); short protein forms Y139fs, Y181fs.
Identifiers: ClinVar variation 1457433 (VCV001457433.7), dbSNP rs2131396482, ClinGen allele CA2580616255.
Genomic context (GRCh38, chr9:97,687,109, plus strand): 5'-TAAGAATTTACCAGAGTGAAAAATAATAAATACAACTTATTAGAGACCTGTAACTTTAAG[TAG>T]AGTTTCATATCACCCCATTGTGAATGATGTGGATTCTTCTTCACAATAAATTTAAGAGGT-3'